The following is an entry in ClinVar:

NM_001042492.3(NF1):c.1471dup (p.Tyr491fs)

Gene: NF1 (neurofibromin 1; plus strand). Cytogenetic location: 17q11.2.
Variant type: Duplication.
Coding change: c.1471dup on transcript NM_001042492.3 (MANE Select); coding-DNA position 1471, one base duplicated (T; older notation c.1471dupT).
Protein change: p.Tyr491fs; shifts the reading frame from tyrosine 491.
Molecular consequence: frameshift variant.
Genome position (GRCh38, 1-based): chr17:31,214,529, T duplicated. VCF-style (leftmost placement, unchanged base first): chr17-31214528-G-GT. GRCh37 (hg19) VCF-style: chr17-29541546-G-GT.
Other names: c.1471dup, p.Tyr491fs (NM_000267.4, NM_001128147.3); short protein forms Y491fs.
Identifiers: ClinVar variation 4880628 (VCV004880628.2).

ClinVar aggregate classification (germline): Likely pathogenic (1 of 4 stars; one submission).

Conditions:
Neurofibromatosis, type 1 (NF1). Also called: VON RECKLINGHAUSEN DISEASE; NEUROFIBROMATOSIS, TYPE I, SOMATIC; Peripheral type neurofibromatosis; Neurofibromatosis, type I. Identifiers: Orphanet 636, MedGen C0027831, MONDO:0018975, OMIM 162200. Disease mechanism: loss of function.

Submission:

Dasa
Classification: Likely pathogenic for neurofibromatosis type 1. Last evaluated: 2026-04-28. Review status: criteria provided, single submitter. Criteria: DASA Assertion Criteria. Collection method: clinical testing. Allele origin: germline.
Comment: NM_001042492.3(NF1):c.1471dup (p.Tyr491Leufs*20) is a frameshift variant in NF1 predicted to alter the reading frame and introduce a premature termination codon and is predicted to result in an absent or altered protein product. Loss of function is an established disease mechanism for NF1 (PMID: 1757093; PMID: 1302608; PMID: 34427956). Also, this variant is absent from population databases. Based on the currently available evidence, this variant is classified as likely pathogenic.

Literature cited by the submitters: PubMed 1757093; PubMed 1302608; PubMed 34427956.